The following is an entry in ClinVar:

ClinVar aggregate classification (germline): Uncertain significance. Review status: criteria provided, multiple submitters, no conflicts (2 of 4 stars). 2 submissions from 2 submitters: Uncertain significance (2). Last evaluated 2023-06-06.

Allele frequency attached by ClinVar (database versions not stated): TOPMed 0.00002; ExAC 0.00006; gnomAD exomes 0.00002.
gnomAD v4.1: 12 of 1,578,686 alleles (0.00076%); highest among the groups gnomAD compares: Admixed American, 0.022%; no homozygotes.

Submissions (2):

Labcorp Genetics (formerly Invitae), Labcorp
Classification: Uncertain significance. Last evaluated: 2023-06-06. Review status: criteria provided, single submitter. Criteria: Invitae Variant Classification Sherloc (09022015). Collection method: clinical testing. Allele origin: germline.
Comment: In summary, the available evidence is currently insufficient to determine the role of this variant in disease. Therefore, it has been classified as a Variant of Uncertain Significance. An algorithm developed to predict the effect of missense changes on protein structure and function (PolyPhen-2) suggests that this variant is likely to be disruptive. This variant has not been reported in the literature in individuals affected with RNF31-related conditions. This variant is present in population databases (rs750625445, gnomAD 0.03%). This sequence change replaces glutamine, which is neutral and polar, with glutamic acid, which is acidic and polar, at codon 481 of the RNF31 protein (p.Gln481Glu).

Ambry Genetics
Classification: Uncertain significance. Last evaluated: 2022-08-08. Review status: criteria provided, single submitter. Criteria: Ambry Variant Classification Scheme 2023. Collection method: clinical testing. Allele origin: germline.

NM_017999.5(RNF31):c.1441C>G (p.Gln481Glu)

Gene: RNF31 (ring finger protein 31; plus strand). Cytogenetic location: 14q12.
Variant type: single nucleotide variant.
Coding change: c.1441C>G on transcript NM_017999.5 (MANE Select); coding-DNA position 1441, C replaced by G.
Protein change: p.Gln481Glu; replaces glutamine 481 with glutamic acid.
Molecular consequence: missense variant.
Genome position (GRCh38, 1-based): chr14:24,150,841, C>G. VCF-style: chr14-24150841-C-G. GRCh37 (hg19) VCF-style: chr14-24620050-C-G.
Other names: c.988C>G, p.Gln330Glu (NM_001310332.2); short protein forms Q481E, Q330E.
Identifiers: ClinVar variation 2754842 (VCV002754842.4), dbSNP rs750625445, ClinGen allele CA7125767.
Genomic context (GRCh38, chr14:24,150,841, plus strand): 5'-CCCCCACGACGCCTTAGTGCCCCCCTGCCCAGTTCCTGTGGAGATCCTGAGAAGCAGCGC[C>G]AAGACAAGATGCGGGAAGAAGGCCTCCAGCTAGTGAGCATGATCCGGGTAAGGACTGGGC-3'
Protein context (NP_060469.4, residues 471-491): SSCGDPEKQR[Gln481Glu]DKMREEGLQL